The following is an entry in ClinVar:

ClinVar aggregate classification (germline): Benign/Likely benign. Review status: criteria provided, multiple submitters, no conflicts (2 of 4 stars). 11 submissions from 11 submitters: Benign (4); Likely benign (4). 3 of the submissions do not count toward it. Last evaluated 2026-02-03.

Conditions:
TRPM4-related disorder. Also called: TRPM4-related disorders; TRPM4-related condition. Identifiers: MedGen CN239424.
Cardiovascular phenotype. Identifiers: MedGen CN230736.
Progressive familial heart block type IB (PFHB1B). Identifiers: Orphanet 871, MedGen C1970298, MONDO:0011474, OMIM 604559.

Allele frequency attached by ClinVar (database versions not stated): gnomAD exomes 0.00008 and 0.00163; 1000 Genomes Project 30x 0.00406; gnomAD 0.00662 and 0.00672; TOPMed 0.01448; 1000 Genomes Project 0.01597; ESP Exome Variant Server 0.01761; ExAC 0.02114.
gnomAD v4.1: 3,301 of 1,566,752 alleles (0.21%); highest among the groups gnomAD compares: South Asian, 0.47%; 51 homozygotes.

Submissions (11):

Labcorp Genetics (formerly Invitae), Labcorp
Classification: Benign for Progressive familial heart block type IB. Last evaluated: 2026-02-03. Review status: criteria provided, single submitter. Criteria: Invitae Variant Classification Sherloc (09022015). Collection method: clinical testing. Allele origin: germline.

Blueprint Genetics
Classification: Likely benign. Last evaluated: 2024-11-27. Review status: criteria provided, single submitter. Criteria: ACMG Guidelines, 2015. Collection method: clinical testing. Allele origin: germline.

CeGaT Center for Human Genetics Tuebingen
Classification: Likely benign. Last evaluated: 2024-09-01. Review status: criteria provided, single submitter. Criteria: CeGaT Center For Human Genetics Tuebingen Variant Classification Criteria Version 2. Collection method: clinical testing. Allele origin: germline. Affected: yes. Observed: 11 variant alleles.
Comment: TRPM4: BP4, BP7, BS2

Women's Health and Genetics/Laboratory Corporation of America, LabCorp
Classification: Benign. Last evaluated: 2023-10-19. Review status: criteria provided, single submitter. Criteria: LabCorp Variant Classification Summary - May 2015. Collection method: clinical testing. Allele origin: germline.

Illumina Laboratory Services, Illumina
Classification: Likely benign for Progressive familial heart block type IB. Last evaluated: 2018-01-13. Review status: criteria provided, single submitter. Criteria: ICSL Variant Classification Criteria 13 December 2019. Collection method: clinical testing. Allele origin: germline.
Comment: This variant was observed in the ICSL laboratory as part of a predisposition screen in an ostensibly healthy population. It had not been previously curated by ICSL or reported in the Human Gene Mutation Database (HGMD: prior to June 1st, 2018), and was therefore a candidate for classification through an automated scoring system. Utilizing variant allele frequency, disease prevalence and penetrance estimates, and inheritance mode, an automated score was calculated to assess if this variant is too frequent to cause the disease. Based on the score and internal cut-off values, a variant classified as likely benign is not then subjected to further curation. The score for this variant resulted in a classification of likely benign for this disease.

GeneDx
Classification: Benign. Last evaluated: 2016-09-29. Review status: criteria provided, single submitter. Criteria: GeneDx Variant Classification (06012015). Collection method: clinical testing. Allele origin: germline. Affected: yes.
Comment: This variant is considered likely benign or benign based on one or more of the following criteria: it is a conservative change, it occurs at a poorly conserved position in the protein, it is predicted to be benign by multiple in silico algorithms, and/or has population frequency not consistent with disease.

Ambry Genetics
Classification: Benign for Cardiovascular phenotype. Last evaluated: 2015-12-15. Review status: criteria provided, single submitter. Criteria: Ambry Variant Classification Scheme 2023. Collection method: clinical testing. Allele origin: germline.

Breakthrough Genomics
Classification: Likely benign. Review status: criteria provided, single submitter. Criteria: ACMG Guidelines, 2015. Collection method: not provided. Allele origin: germline. Inheritance: Autosomal dominant inheritance. Affected: yes.

PreventionGenetics, part of Exact Sciences
Classification: Likely benign for TRPM4-related condition. Last evaluated: 2019-04-04. Review status: no assertion criteria provided. Collection method: clinical testing. Allele origin: germline. Not counted in ClinVar's aggregate classification.
Comment: This variant is classified as likely benign based on ACMG/AMP sequence variant interpretation guidelines (Richards et al. 2015 PMID: 25741868, with internal and published modifications).

Clinical Genetics, Academic Medical Center
Classification: Benign. Review status: no assertion criteria provided. Collection method: clinical testing. Allele origin: germline. Affected: yes. Study: VKGL Data-share Consensus. Not counted in ClinVar's aggregate classification.

Joint Genome Diagnostic Labs from Nijmegen and Maastricht, Radboudumc and MUMC+
Classification: Benign. Review status: no assertion criteria provided. Collection method: clinical testing. Allele origin: germline. Affected: yes. Study: VKGL Data-share Consensus. Not counted in ClinVar's aggregate classification.

NM_017636.4(TRPM4):c.306T>G (p.Val102=)

Gene: TRPM4 (transient receptor potential cation channel subfamily M member 4; plus strand). Cytogenetic location: 19q13.33.
Variant type: single nucleotide variant.
Coding change: c.306T>G on transcript NM_017636.4 (MANE Select); coding-DNA position 306, T replaced by G.
Protein change: p.Val102=; no amino-acid change (valine 102 retained).
Molecular consequence: synonymous variant. On other transcripts: intron variant (4).
Genome position (GRCh38, 1-based): chr19:49,167,955, T>G. VCF-style: chr19-49167955-T-G. GRCh37 (hg19) VCF-style: chr19-49671212-T-G.
Other names: c.306T>G, p.Val102= (NM_001195227.2); c.-1105-305T>G (NM_001321282.2); c.268-598T>G (NM_001321281.2); c.-74-305T>G (NM_001321283.2); c.-237-598T>G (NM_001321285.2).
Identifiers: ClinVar variation 220960 (VCV000220960.48), dbSNP rs111783027, ClinGen allele CA348295.